The following is an entry in ClinVar:

NM_001039348.3(EFEMP1):c.1198A>G (p.Ile400Val)

Gene: EFEMP1 (EGF-like fibulin extracellular matrix protein 1; minus strand). Cytogenetic location: 2p16.1.
Variant type: single nucleotide variant.
Coding change: c.1198A>G on transcript NM_001039348.3 (MANE Select); coding-DNA position 1198, A replaced by G.
Protein change: p.Ile400Val; replaces isoleucine 400 with valine.
Molecular consequence: missense variant.
Genome position (GRCh38, 1-based): chr2:55,870,842, T>C on the plus strand (A>G on the coding strand, the complement: EFEMP1 is on the minus strand). VCF-style: chr2-55870842-T-C. GRCh37 (hg19) VCF-style: chr2-56097977-T-C.
Other names: c.1198A>G, p.Ile400Val (NM_001039349.3); short protein forms I400V.
Identifiers: ClinVar variation 1412737 (VCV001412737.6), dbSNP rs2104369172, ClinGen allele CA347028073.

ClinVar aggregate classification (germline): Uncertain significance (1 of 4 stars; one submission).

Allele frequency attached by ClinVar (database versions not stated): gnomAD exomes below 0.00001.
gnomAD v4.1: 1 of 1,613,864 alleles (0.000062%); highest among the groups gnomAD compares: Non-Finnish European, 0.000085%; no homozygotes.

Submission:

Labcorp Genetics (formerly Invitae), Labcorp
Classification: Uncertain significance. Last evaluated: 2022-12-04. Review status: criteria provided, single submitter. Criteria: Invitae Variant Classification Sherloc (09022015). Collection method: clinical testing. Allele origin: germline.
Comment: Advanced modeling of protein sequence and biophysical properties (such as structural, functional, and spatial information, amino acid conservation, physicochemical variation, residue mobility, and thermodynamic stability) performed at Invitae indicates that this missense variant is not expected to disrupt EFEMP1 protein function. In summary, the available evidence is currently insufficient to determine the role of this variant in disease. Therefore, it has been classified as a Variant of Uncertain Significance. ClinVar contains an entry for this variant (Variation ID: 1412737). This variant has not been reported in the literature in individuals affected with EFEMP1-related conditions. This variant is not present in population databases (gnomAD no frequency). This sequence change replaces isoleucine, which is neutral and non-polar, with valine, which is neutral and non-polar, at codon 400 of the EFEMP1 protein (p.Ile400Val).